The following is an entry in ClinVar:

NM_001267550.2(TTN):c.11913G>A (p.Trp3971Ter)

Gene: TTN (titin; minus strand). Cytogenetic location: 2q31.2.
Variant type: single nucleotide variant.
Coding change: c.11913G>A on transcript NM_001267550.2 (MANE Select); coding-DNA position 11913, G replaced by A.
Protein change: p.Trp3971Ter; replaces tryptophan 3971 with a stop codon.
Molecular consequence: nonsense. On other transcripts: intron variant (1).
Genome position (GRCh38, 1-based): chr2:178,741,320, C>T on the plus strand (G>A on the coding strand, the complement: TTN is on the minus strand). VCF-style: chr2-178741320-C-T. GRCh37 (hg19) VCF-style: chr2-179606047-C-T.
Other names: c.10962G>A, p.Trp3654Ter (NM_001256850.1); c.10824G>A, p.Trp3608Ter (NM_003319.4); c.11199G>A, p.Trp3733Ter (NM_133432.3); c.11400G>A, p.Trp3800Ter (NM_133437.4); c.10361-2960G>A (NM_133378.4); c.11913G>A (NM_001267550.1); short protein forms W3654*, W3971*, W3608*, W3733*, W3800*.
Identifiers: ClinVar variation 452343 (VCV000452343.16), dbSNP rs749961489, ClinGen allele CA349618353.
Genomic context (GRCh38, chr2:178,741,320, plus strand): 5'-ATTAGGGTTATGAATGATAGTGTAATAAACACTGGTGCAAAGCTGCTTGTTTTCTTTGAA[C>T]CATGTAACAGTAGGGGCAGGCTCTCCAACCACTGTGTACTCAAAGATGGCAGGAAGCCCT-3'

ClinVar aggregate classification (germline): Likely pathogenic. Review status: criteria provided, multiple submitters, no conflicts (2 of 4 stars). 5 submissions from 5 submitters: Likely pathogenic (5). Last evaluated 2026-02-21.

Conditions:
Dilated and arrhythmogenic cardiomyopathy.
Autosomal recessive limb-girdle muscular dystrophy type 2J (LGMDR10). Also called: Limb-girdle muscular dystrophy, type 2J; MUSCULAR DYSTROPHY, LIMB-GIRDLE, AUTOSOMAL RECESSIVE 10. Identifiers: Orphanet 140922, MedGen C1837342, MONDO:0012127, OMIM 608807.
Dilated cardiomyopathy 1G (CMD1G). Identifiers: Orphanet 154, MedGen C1858763, MONDO:0011400, OMIM 604145.
TTN-related disorder. Also called: TTN-related condition; TTN-related disease; TTN-related disorders.
Cardiomyopathy (CMYO). Also called: Cardiomyopathies. Identifiers: Orphanet 167848, MedGen C0878544, MONDO:0004994, HP:0001638. Inheritance: Various modes of inheritance.

gnomAD v4.1: 7 of 1,613,830 alleles (0.00043%); highest among the groups gnomAD compares: Non-Finnish European, 0.00059%; no homozygotes.

Submissions (5):

PreventionGenetics, part of Exact Sciences
Classification: Likely pathogenic for TTN-related condition. Last evaluated: 2026-02-21. Review status: criteria provided, single submitter. Criteria: ACMG Guidelines, 2015. Collection method: clinical testing. Allele origin: germline.
Comment: The TTN c.11913G>A variant is predicted to result in premature protein termination (p.Trp3971*). To our knowledge, this variant has not been reported in the literature. This variant is reported in 0.0029% of alleles in individuals of Latino descent in gnomAD. This variant is located in the TTN protein I-band region. RNAseq studies from heart tissue indicate this exon is commonly included in TTN mRNA transcripts (PSI of 95%-100%, Roberts et al. 2015. PubMed ID: 25589632). TTN loss-of-function variants occurring in constitutively expressed exons (PSI > 90%) are more likely to be disease causing for TTN cardiac-related disorders regardless of band location (Roberts et al. 2015. PubMed ID: 25589632; Schafer et al. 2017. PubMed ID: 27869827; Akhtar et al. 2020. PubMed ID: 32964742). Many cases of recessive TTN-related myopathies in which the individual is compound heterozygous for two loss-of-function variants in TTN have also been reported (Oates et al. 2018. PubMed ID: 29691892; Ge et al. 2019. PubMed ID: 31053406; Rees et al. 2021. PubMed ID: 33449170). An alternate nucleotide change resulting in the same nonsense alternation, c.11912G>A (p.Trp3971*), has been reported in an individual with dilated cardiomyopathy (Table S13, Roberts et al. 2015. PubMed ID: 25589632). In summary, the c.11913G>A (p.Trp3971*) variant is categorized as likely pathogenic. Of note, this variant is considered likely pathogenic for increased risk of TTN-related cardiac disorders, and also for autosomal recessive TTN-related congenital titinopathies.

GeneDx
Classification: Likely pathogenic. Last evaluated: 2026-02-06. Review status: criteria provided, single submitter. Criteria: GeneDx Variant Classification Process June 2021. Collection method: clinical testing. Allele origin: germline. Affected: yes.
Comment: Located in a specific region of the I-band within TTN for which truncating variants are significantly associated with autosomal dominant cardiomyopathy and also with autosomal recessive skeletal myopathies (PMID: 27625338, 27869827, 32778822); Not observed at significant frequency in large population cohorts (gnomAD); Has not been previously published as pathogenic or benign to our knowledge; This variant is associated with the following publications: (PMID: 25589632, 27625338, 27869827, 32778822)

Labcorp Genetics (formerly Invitae), Labcorp
Classification: Likely pathogenic for Dilated cardiomyopathy 1G; Autosomal recessive limb-girdle muscular dystrophy type 2J. Last evaluated: 2025-12-19. Review status: criteria provided, single submitter. Criteria: Invitae Variant Classification Sherloc (09022015). Collection method: clinical testing. Allele origin: germline.
Comment: This sequence change creates a premature translational stop signal (p.Trp3971*) in the TTN gene. While this is not anticipated to result in nonsense mediated decay, it is expected to create a truncated TTN protein. This variant is not present in population databases (gnomAD no frequency). This variant has not been observed in the literature in individuals with autosomal recessive TTN-related conditions. This variant has been reported in individual(s) with dilated cardiomyopathy (PMID: 25589632); however, the role of the variant in this condition is currently unclear. ClinVar contains an entry for this variant (Variation ID: 452343). This variant is located in the I band of TTN (PMID: 25589632). Truncating variants in this region have been reported in individuals affected with autosomal recessive centronuclear myopathy (PMID: 23975875, internal data). Truncating variants in this region have also been identified in individuals affected with autosomal dominant dilated cardiomyopathy and/or cardio-related conditions (PMID: 27869827, 32964742, internal data). In summary, the currently available evidence indicates that the variant is pathogenic, but additional data are needed to prove that conclusively. Therefore, this variant has been classified as Likely Pathogenic.

North West Genomic Laboratory Hub, Manchester University NHS Foundation Trust
Classification: Likely pathogenic for Dilated and arrhythmogenic cardiomyopathy. Last evaluated: 2025-10-24. Review status: criteria provided, single submitter. Criteria: ACGS Best Practice Guidelines for Variant Classification in Rare Disease 2024. Collection method: clinical testing. Allele origin: germline. Affected: yes.
Comment: PM2_Mod PVS1_Str

CHEO Genetics Diagnostic Laboratory, Children's Hospital of Eastern Ontario
Classification: Likely pathogenic for Cardiomyopathy. Last evaluated: 2021-11-25. Review status: criteria provided, single submitter. Criteria: ACMG Guidelines, 2015. Collection method: clinical testing. Allele origin: germline.

Literature cited by the submitters: PubMed 25589632 (cited by Labcorp Genetics (formerly Invitae), Labcorp); PubMed 23975875 (cited by Labcorp Genetics (formerly Invitae), Labcorp); PubMed 27869827 (cited by Labcorp Genetics (formerly Invitae), Labcorp); PubMed 32964742 (cited by Labcorp Genetics (formerly Invitae), Labcorp).